The following is an entry in ClinVar:

NM_001814.6(CTSC):c.901G>A (p.Gly301Ser)

Gene: CTSC (cathepsin C; minus strand). Cytogenetic location: 11q14.2.
Variant type: single nucleotide variant.
Coding change: c.901G>A on transcript NM_001814.6 (MANE Select); coding-DNA position 901, G replaced by A.
Protein change: p.Gly301Ser; replaces glycine 301 with serine.
Molecular consequence: missense variant.
Genome position (GRCh38, 1-based): chr11:88,294,497, C>T on the plus strand (G>A on the coding strand, the complement: CTSC is on the minus strand). VCF-style: chr11-88294497-C-T. GRCh37 (hg19) VCF-style: chr11-88027665-C-T.
Other names: c.901G>A, p.Gly301Ser (LRG_50t1); short protein forms G301S.
Identifiers: ClinVar variation 7297 (VCV000007297.10), dbSNP rs104894214, ClinGen allele CA118689.

ClinVar aggregate classification (germline): Pathogenic/Likely pathogenic. Review status: criteria provided, multiple submitters, no conflicts (2 of 4 stars). 3 submissions from 3 submitters: Pathogenic (1); Likely pathogenic (1). 1 of the submissions does not count toward it. Last evaluated 2025-07-16.

Conditions:
Papillon-Lefèvre syndrome (PALS). Also called: KERATOSIS PALMOPLANTARIS WITH PERIODONTOPATHIA; Papillon-Lefevre Disease. Identifiers: Orphanet 678, MedGen C0030360, MONDO:0009490, OMIM 245000.
Haim-Munk syndrome (HMS). Also called: COCHIN JEWISH DISORDER; KERATOSIS PALMOPLANTARIS WITH PERIODONTOPATHIA AND ONYCHOGRYPOSIS. Identifiers: Orphanet 2342, MedGen C1855627, MONDO:0009491, OMIM 245010.
Periodontitis, aggressive. Identifiers: MedGen C0031106, MONDO:0980757.

Allele frequency attached by ClinVar (database versions not stated): gnomAD 0.00003; gnomAD exomes 0.00002; TOPMed 0.00002; ExAC 0.00003.
gnomAD v4.1: 38 of 1,613,958 alleles (0.0024%); highest among the groups gnomAD compares: East Asian, 0.016%; no homozygotes.

Submissions (3):

Labcorp Genetics (formerly Invitae), Labcorp
Classification: Pathogenic for Haim-Munk syndrome; Periodontitis, aggressive; Papillon-Lefèvre syndrome. Last evaluated: 2025-07-16. Review status: criteria provided, single submitter. Criteria: Invitae Variant Classification Sherloc (09022015). Collection method: clinical testing. Allele origin: germline.
Comment: This sequence change replaces glycine, which is neutral and non-polar, with serine, which is neutral and polar, at codon 301 of the CTSC protein (p.Gly301Ser). This variant is present in population databases (rs104894214, gnomAD 0.01%). This missense change has been observed in individuals with Papillon-Lefèvre syndrome (PMID: 10581027, 11180012). It has also been observed to segregate with disease in related individuals. ClinVar contains an entry for this variant (Variation ID: 7297). Invitae Evidence Modeling of protein sequence and biophysical properties (such as structural, functional, and spatial information, amino acid conservation, physicochemical variation, residue mobility, and thermodynamic stability) indicates that this missense variant is expected to disrupt CTSC protein function with a positive predictive value of 80%. For these reasons, this variant has been classified as Pathogenic.

Fulgent Genetics
Classification: Likely pathogenic for Periodontitis, aggressive 1; Papillon-Lefèvre syndrome; Haim-Munk syndrome. Last evaluated: 2024-06-09. Review status: criteria provided, single submitter. Criteria: ACMG Guidelines, 2015. Collection method: clinical testing. Allele origin: germline.

OMIM
Classification: Pathogenic for PAPILLON-LEFEVRE SYNDROME. Last evaluated: 2001-02-01. Review status: no assertion criteria provided. Collection method: literature only. Allele origin: germline. Not counted in ClinVar's aggregate classification.

Literature cited by the submitters: PubMed 10581027 (cited by Labcorp Genetics (formerly Invitae), Labcorp); PubMed 11180012 (cited by Labcorp Genetics (formerly Invitae), Labcorp and OMIM).